The following is an entry in ClinVar:

ClinVar aggregate classification (germline): Uncertain significance (1 of 4 stars; one submission).

Conditions:
Hereditary nonpolyposis colorectal neoplasms. Identifiers: MedGen C0009405, MeSH D003123.

Submission:

Labcorp Genetics (formerly Invitae), Labcorp
Classification: Uncertain significance for Hereditary nonpolyposis colorectal neoplasms. Last evaluated: 2021-07-30. Review status: criteria provided, single submitter. Criteria: Invitae Variant Classification Sherloc (09022015). Collection method: clinical testing. Allele origin: germline.
Comment: This sequence change replaces asparagine with serine at codon 570 of the PMS2 protein (p.Asn570Ser). The asparagine residue is weakly conserved and there is a small physicochemical difference between asparagine and serine. This variant is not present in population databases (ExAC no frequency). This variant has not been reported in the literature in individuals affected with PMS2-related conditions. Advanced modeling of protein sequence and biophysical properties (such as structural, functional, and spatial information, amino acid conservation, physicochemical variation, residue mobility, and thermodynamic stability) performed at Invitae indicates that this missense variant is not expected to disrupt PMS2 protein function. In summary, the available evidence is currently insufficient to determine the role of this variant in disease. Therefore, it has been classified as a Variant of Uncertain Significance.

NM_000535.7(PMS2):c.1709A>G (p.Asn570Ser)

Gene: PMS2 (PMS1 homolog 2, mismatch repair system component; minus strand). Cytogenetic location: 7p22.1.
Variant type: single nucleotide variant.
Coding change: c.1709A>G on transcript NM_000535.7 (MANE Select); coding-DNA position 1709, A replaced by G.
Protein change: p.Asn570Ser; replaces asparagine 570 with serine.
Molecular consequence: missense variant. On other transcripts: non-coding transcript variant (1).
Genome position (GRCh38, 1-based): chr7:5,987,056, T>C on the plus strand (A>G on the coding strand, the complement: PMS2 is on the minus strand). VCF-style: chr7-5987056-T-C. GRCh37 (hg19) VCF-style: chr7-6026687-T-C.
Other names: c.1304A>G, p.Asn435Ser (NM_001322003.2, NM_001322004.2, NM_001322005.2 and 1 more transcripts); c.1553A>G, p.Asn518Ser (NM_001322006.2); c.1391A>G, p.Asn464Ser (NM_001322007.2, NM_001322008.2); c.1148A>G, p.Asn383Ser (NM_001322010.2); c.776A>G, p.Asn259Ser (NM_001322011.2, NM_001322012.2); c.1136A>G, p.Asn379Ser (NM_001322013.2); c.1709A>G, p.Asn570Ser (NM_001322014.2); c.1400A>G, p.Asn467Ser (NM_001322015.2); short protein forms N435S, N467S, N379S, N518S, N259S, N383S, N464S, N570S.
Identifiers: ClinVar variation 1396380 (VCV001396380.6), dbSNP rs2128724896, ClinGen allele CA366740227.